The following is an entry in ClinVar:

ClinVar aggregate classification (germline): Uncertain significance (1 of 4 stars; one submission).

Conditions:
Joubert syndrome 1 (JBTS1). Also called: Cerebellooculorenal syndrome 1; CEREBELLOPARENCHYMAL DISORDER IV. Identifiers: MedGen C4551568, MONDO:0008944, OMIM 213300.

Submission:

Institute of Human Genetics, University of Leipzig Medical Center
Classification: Uncertain significance for Joubert syndrome 1. Last evaluated: 2025-03-04. Review status: criteria provided, single submitter. Criteria: ACMG Guidelines, 2015. Collection method: clinical testing. Allele origin: unknown. Inheritance: Autosomal recessive inheritance. Affected: yes.
Comment: Criteria applied: PM1,PM2,PP3

NM_019892.6(INPP5E):c.1079A>G (p.Tyr360Cys)

Gene: INPP5E (inositol polyphosphate-5-phosphatase E; minus strand). Cytogenetic location: 9q34.3.
Variant type: single nucleotide variant.
Coding change: c.1079A>G on transcript NM_019892.6 (MANE Select); coding-DNA position 1079, A replaced by G.
Protein change: p.Tyr360Cys; replaces tyrosine 360 with cysteine.
Molecular consequence: missense variant.
Genome position (GRCh38, 1-based): chr9:136,433,235, T>C on the plus strand (A>G on the coding strand, the complement: INPP5E is on the minus strand). VCF-style: chr9-136433235-T-C. GRCh37 (hg19) VCF-style: chr9-139327687-T-C.
Other names: c.1079A>G, p.Tyr360Cys (NM_001318502.2); short protein forms Y360C.
Identifiers: ClinVar variation 3773701 (VCV003773701.2).
Genomic context (GRCh38, chr9:136,433,235, plus strand): 5'-TCCCTGCGGATGAAGAGCGACATGTAGAGCACGCCGTGGGCCGCCGAGGACAGCAGCACA[T>C]AGTGCGGGCCCAGCGTCTCCTGCAGACGAGTCTCCCACTCCCGCCTGCAGAGGAGGAAGC-3'
Protein context (NP_063945.2, residues 350-370): TRLQETLGPH[Tyr360Cys]VLLSSAAHGV